The following is an entry in ClinVar:

NM_000094.4(COL7A1):c.2597C>T (p.Ala866Val)

Gene: COL7A1 (collagen type VII alpha 1 chain; minus strand). Cytogenetic location: 3p21.31.
Variant type: single nucleotide variant.
Coding change: c.2597C>T on transcript NM_000094.4 (MANE Select); coding-DNA position 2597, C replaced by T.
Protein change: p.Ala866Val; replaces alanine 866 with valine.
Molecular consequence: missense variant.
Genome position (GRCh38, 1-based): chr3:48,588,395, G>A on the plus strand (C>T on the coding strand, the complement: COL7A1 is on the minus strand). VCF-style: chr3-48588395-G-A. GRCh37 (hg19) VCF-style: chr3-48625828-G-A.
Other names: short protein forms A866V.
Identifiers: ClinVar variation 4065287 (VCV004065287.2).
Genomic context (GRCh38, chr3:48,588,395, plus strand): 5'-CGCAGCCTCAGCGAGTGCTCCCCGCGCTGCACCACGTGAAGCGTCCCCAGGGCTGGCGGA[G>A]CCTCAGGCGCTGGAGAGAAAGCTCAGGAATCAGGGAGGCTCTGCCCCCATGGCCCCTGCA-3'
Protein context (NP_000085.1, residues 856-876): VSIVVTTPPE[Ala866Val]PPALGTLHVV

ClinVar aggregate classification (germline): Uncertain significance. Review status: criteria provided, single submitter (1 of 4 stars). 2 submissions from 2 submitters: Uncertain significance (1). 1 of the submissions does not count toward it. Last evaluated 2026-02-01.

Conditions:
Epidermolysis bullosa dystrophica. Also called: Dystrophic epidermolysis bullosa, Hallopeau-Siemens type (formerly); Dystrophic epidermolysis bullosa. Identifiers: Orphanet 303, MedGen C0079294, MONDO:0006543.

gnomAD v4.1: 2 of 1,610,230 alleles (0.00012%); highest among the groups gnomAD compares: Admixed American, 0.0033%; no homozygotes.

Submissions (2):

Labcorp Genetics (formerly Invitae), Labcorp
Classification: Uncertain significance. Last evaluated: 2026-02-01. Review status: criteria provided, single submitter. Criteria: Invitae Variant Classification Sherloc (09022015). Collection method: clinical testing. Allele origin: germline.
Comment: This sequence change replaces alanine, which is neutral and non-polar, with valine, which is neutral and non-polar, at codon 866 of the COL7A1 protein (p.Ala866Val). This variant is present in population databases (no rsID available, gnomAD 0.006%). This variant has not been reported in the literature in individuals affected with COL7A1-related conditions. ClinVar contains an entry for this variant (Variation ID: 4065287). Invitae Evidence Modeling of protein sequence and biophysical properties (such as structural, functional, and spatial information, amino acid conservation, physicochemical variation, residue mobility, and thermodynamic stability) indicates that this missense variant is not expected to disrupt COL7A1 protein function with a negative predictive value of 95%. In summary, the available evidence is currently insufficient to determine the role of this variant in disease. Therefore, it has been classified as a Variant of Uncertain Significance.

Natera, Inc.
Classification: Uncertain significance for Dystrophic epidermolysis bullosa. Last evaluated: 2025-01-16. Review status: no assertion criteria provided. Collection method: clinical testing. Allele origin: germline. Not counted in ClinVar's aggregate classification.